The following is an entry in ClinVar:

NM_001844.5(COL2A1):c.2896-3C>T

Gene: COL2A1 (collagen type II alpha 1 chain; minus strand). Cytogenetic location: 12q13.11.
Variant type: single nucleotide variant.
Coding change: c.2896-3C>T on transcript NM_001844.5 (MANE Select); 3 bases into the intron before coding-DNA position 2896, C replaced by T.
Molecular consequence: intron variant.
Genome position (GRCh38, 1-based): chr12:47,978,401, G>A on the plus strand (C>T on the coding strand, the complement: COL2A1 is on the minus strand). VCF-style: chr12-47978401-G-A. GRCh37 (hg19) VCF-style: chr12-48372184-G-A.
Other names: c.2689-3C>T (NM_033150.3).
Identifiers: ClinVar variation 1388538 (VCV001388538.6), dbSNP rs764620334, ClinGen allele CA6534952.

ClinVar aggregate classification (germline): Uncertain significance (1 of 4 stars; one submission).

Allele frequency attached by ClinVar (database versions not stated): gnomAD exomes 0.00001; ExAC 0.00002.
gnomAD v4.1: 3 of 1,613,584 alleles (0.00019%); highest among the groups gnomAD compares: Admixed American, 0.0033%; no homozygotes.

Submission:

Labcorp Genetics (formerly Invitae), Labcorp
Classification: Uncertain significance. Last evaluated: 2022-12-03. Review status: criteria provided, single submitter. Criteria: Invitae Variant Classification Sherloc (09022015). Collection method: clinical testing. Allele origin: germline.
Comment: Variants that disrupt the consensus splice site are a relatively common cause of aberrant splicing (PMID: 17576681, 9536098). Algorithms developed to predict the effect of sequence changes on RNA splicing suggest that this variant is not likely to affect RNA splicing. ClinVar contains an entry for this variant (Variation ID: 1388538). This variant has not been reported in the literature in individuals affected with COL2A1-related conditions. This variant is present in population databases (rs764620334, gnomAD 0.003%). This sequence change falls in intron 42 of the COL2A1 gene. It does not directly change the encoded amino acid sequence of the COL2A1 protein. It affects a nucleotide within the consensus splice site. In summary, the available evidence is currently insufficient to determine the role of this variant in disease. Therefore, it has been classified as a Variant of Uncertain Significance.

Literature cited by the submitters: PubMed 17576681; PubMed 9536098.